The following is an entry in ClinVar:

NM_000088.4(COL1A1):c.1148G>C (p.Gly383Ala)

Gene: COL1A1 (collagen type I alpha 1 chain; minus strand). Cytogenetic location: 17q21.33.
Variant type: single nucleotide variant.
Coding change: c.1148G>C on transcript NM_000088.4 (MANE Select); coding-DNA position 1148, G replaced by C.
Protein change: p.Gly383Ala; replaces glycine 383 with alanine.
Molecular consequence: missense variant.
Genome position (GRCh38, 1-based): chr17:50,195,574, C>G on the plus strand (G>C on the coding strand, the complement: COL1A1 is on the minus strand). VCF-style: chr17-50195574-C-G. GRCh37 (hg19) VCF-style: chr17-48272935-C-G.
Other names: short protein forms G383A.
Identifiers: ClinVar variation 2099098 (VCV002099098.5), dbSNP rs2509228482, ClinGen allele CA400219544.

ClinVar aggregate classification (germline): Pathogenic. Review status: criteria provided, multiple submitters, no conflicts (2 of 4 stars). 2 submissions from 2 submitters: Pathogenic (2). Last evaluated 2024-08-08.

Conditions:
Osteogenesis imperfecta type I (OI1). Also called: Lobstein disease; OI, TYPE I; OSTEOGENESIS IMPERFECTA TARDA; OSTEOGENESIS IMPERFECTA WITH BLUE SCLERAE; Osteogenesis imperfecta type 1; Classic Non-deforming Osteogenesis Imperfecta with Blue Sclerae. Identifiers: Orphanet 216796, Orphanet 666, MedGen C0023931, MONDO:0008146, OMIM 166200. Disease mechanism: loss of function.

Submissions (2):

GeneDx
Classification: Pathogenic. Last evaluated: 2024-08-08. Review status: criteria provided, single submitter. Criteria: GeneDx Variant Classification Process June 2021. Collection method: clinical testing. Allele origin: germline. Affected: yes.
Comment: Reported in an individual with osteogenesis imperfecta in published literature (PMID: 33070251); Occurs in the triple helical domain and replaces a glycine in a canonical Gly-X-Y repeat; missense substitution of a canonical glycine residue is expected to disrupt normal protein folding and function, and this is an established mechanism of disease (PMID: 34007986); In silico analysis supports that this missense variant has a deleterious effect on protein structure/function; Not observed at significant frequency in large population cohorts (gnomAD); This variant is associated with the following publications: (PMID: 34557487, 35909573, 34007986, 33070251)

Labcorp Genetics (formerly Invitae), Labcorp
Classification: Pathogenic for Osteogenesis imperfecta type I. Last evaluated: 2024-06-12. Review status: criteria provided, single submitter. Criteria: Invitae Variant Classification Sherloc (09022015). Collection method: clinical testing. Allele origin: germline.
Comment: This sequence change replaces glycine, which is neutral and non-polar, with alanine, which is neutral and non-polar, at codon 383 of the COL1A1 protein (p.Gly383Ala). This variant is not present in population databases (gnomAD no frequency). This missense change has been observed in individual(s) with osteogenesis imperfecta (PMID: 33070251). ClinVar contains an entry for this variant (Variation ID: 2099098). Advanced modeling of protein sequence and biophysical properties (such as structural, functional, and spatial information, amino acid conservation, physicochemical variation, residue mobility, and thermodynamic stability) performed at Invitae indicates that this missense variant is expected to disrupt COL1A1 protein function with a positive predictive value of 95%. This variant disrupts the triple helix domain of COL1A1. Glycine residues within the Gly-Xaa-Yaa repeats of the triple helix domain are required for the structure and stability of fibrillar collagens (PMID: 7695699, 8218237, 19344236). In COL1A1, variants affecting these glycine residues are significantly enriched in individuals with disease (PMID: 9016532, 17078022) compared to the general population (ExAC). For these reasons, this variant has been classified as Pathogenic.

Literature cited by the submitters: PubMed 33070251 (cited by Labcorp Genetics (formerly Invitae), Labcorp); PubMed 7695699 (cited by Labcorp Genetics (formerly Invitae), Labcorp); PubMed 8218237 (cited by Labcorp Genetics (formerly Invitae), Labcorp); PubMed 19344236 (cited by Labcorp Genetics (formerly Invitae), Labcorp); PubMed 9016532 (cited by Labcorp Genetics (formerly Invitae), Labcorp); PubMed 17078022 (cited by Labcorp Genetics (formerly Invitae), Labcorp).